The following is an entry in ClinVar:

ClinVar aggregate classification (germline): Likely benign (0 of 4 stars; one submission).

Conditions:
PINK1-related disorder. Also called: PINK1-related condition.

Submission:

PreventionGenetics, part of Exact Sciences
Classification: Likely benign for PINK1-related condition. Last evaluated: 2020-12-28. Review status: no assertion criteria provided. Collection method: clinical testing. Allele origin: germline.
Comment: This variant is classified as likely benign based on ACMG/AMP sequence variant interpretation guidelines (Richards et al. 2015 PMID: 25741868, with internal and published modifications).

NM_032409.3(PINK1):c.1131C>T (p.Cys377=)

Genes: PINK1 (PTEN induced kinase 1; plus strand), PINK1-AS (PINK1 antisense RNA; minus strand). Cytogenetic location: 1p36.12.
Variant type: single nucleotide variant.
Coding change: c.1131C>T on transcript NM_032409.3 (MANE Select); coding-DNA position 1131, C replaced by T.
Protein change: p.Cys377=; no amino-acid change (cysteine 377 retained).
Molecular consequence: synonymous variant. On other transcripts: non-coding transcript variant (1).
Genome position (GRCh38, 1-based): chr1:20,648,512, C>T. VCF-style: chr1-20648512-C-T. GRCh37 (hg19) VCF-style: chr1-20975005-C-T.
Identifiers: ClinVar variation 3031386 (VCV003031386.2), dbSNP rs2053215939, ClinGen allele CA416489905.
Genomic context (GRCh38, chr1:20,648,512, plus strand): 5'-TCTCAGAGGGAAGGAGGGGAGGAGAAATGGTCACTTTGCTTGCTCCTTCCCAGACGGCTG[C>T]CCCTGGCTGGTGATCGCAGATTTTGGCTGCTGCCTGGCTGATGAGAGCATCGGCCTGCAG-3'
Protein context (NP_115785.1, residues 367-387): NILVELDPDG[Cys377=]PWLVIADFGC